The following is an entry in ClinVar:

NM_020778.5(ALPK3):c.2679C>G (p.Ser893Arg)

Gene: ALPK3 (alpha kinase 3; plus strand). Cytogenetic location: 15q25.3.
Variant type: single nucleotide variant.
Coding change: c.2679C>G on transcript NM_020778.5 (MANE Select); coding-DNA position 2679, C replaced by G.
Protein change: p.Ser893Arg; replaces serine 893 with arginine.
Molecular consequence: missense variant.
Genome position (GRCh38, 1-based): chr15:84,857,417, C>G. VCF-style: chr15-84857417-C-G. GRCh37 (hg19) VCF-style: chr15-85400648-C-G.
Other names: short protein forms S893R.
Identifiers: ClinVar variation 2663644 (VCV002663644.4), dbSNP rs767812404, ClinGen allele CA393358005.
Genomic context (GRCh38, chr15:84,857,417, plus strand): 5'-TGGGCTGACAGCTAGCCCAAAGGCGGGGCCGTGTAGCACCCCGACTTCTCAGCACGGGAG[C>G]ACAGCCACCTTCCTGCCCTCTGAGGATCAGGTCCTGATGAGTTCTGCCCCAACACTGCAC-3'
Protein context (NP_065829.4, residues 883-903): PCSTPTSQHG[Ser893Arg]TATFLPSEDQ

ClinVar aggregate classification (germline): Uncertain significance. Review status: criteria provided, multiple submitters, no conflicts (2 of 4 stars). 2 submissions from 2 submitters: Uncertain significance (2). Last evaluated 2023-09-10.

Submissions (2):

Labcorp Genetics (formerly Invitae), Labcorp
Classification: Uncertain significance. Last evaluated: 2023-09-10. Review status: criteria provided, single submitter. Criteria: Invitae Variant Classification Sherloc (09022015). Collection method: clinical testing. Allele origin: germline.
Comment: This sequence change replaces serine, which is neutral and polar, with arginine, which is basic and polar, at codon 1095 of the ALPK3 protein (p.Ser1095Arg). This variant is not present in population databases (gnomAD no frequency). This variant has not been reported in the literature in individuals affected with ALPK3-related conditions. Algorithms developed to predict the effect of missense changes on protein structure and function output the following: SIFT: "Not Available"; PolyPhen-2: "Benign"; Align-GVGD: "Not Available". The arginine amino acid residue is found in multiple mammalian species, which suggests that this missense change does not adversely affect protein function. In summary, the available evidence is currently insufficient to determine the role of this variant in disease. Therefore, it has been classified as a Variant of Uncertain Significance.

GeneDx
Classification: Uncertain significance. Last evaluated: 2023-05-01. Review status: criteria provided, single submitter. Criteria: GeneDx Variant Classification Process June 2021. Collection method: clinical testing. Allele origin: germline. Affected: yes.
Comment: Has not been previously published as pathogenic or benign to our knowledge; Not observed at significant frequency in large population cohorts (gnomAD); In silico analysis supports that this missense variant does not alter protein structure/function